The following is an entry in ClinVar:

ClinVar aggregate classification (germline): Conflicting classifications of pathogenicity. Review status: criteria provided, conflicting classifications (1 of 4 stars). 3 submissions from 3 submitters: Uncertain significance (1); Likely benign (2). Last evaluated 2026-08-01.

Conditions:
Inborn genetic diseases. Identifiers: MedGen C0950123, MeSH D030342.

Allele frequency attached by ClinVar (database versions not stated): ExAC 0.00001; gnomAD 0.00001; TOPMed 0.00001.
gnomAD v4.1: 14 of 1,613,902 alleles (0.00087%); highest among the groups gnomAD compares: Admixed American, 0.0017%; no homozygotes.

Submissions (3):

CeGaT Center for Human Genetics Tuebingen
Classification: Likely benign. Last evaluated: 2026-08-01. Review status: criteria provided, single submitter. Criteria: CeGaT Center For Human Genetics Tuebingen Variant Classification Criteria Version 2. Collection method: clinical testing. Allele origin: germline. Affected: yes. Observed: 1 variant allele.
Comment: CAMK2B: PP2, BS1

Ambry Genetics
Classification: Likely benign for Inborn genetic diseases. Last evaluated: 2025-12-29. Review status: criteria provided, single submitter. Criteria: Ambry Variant Classification Scheme 2023. Collection method: clinical testing. Allele origin: germline.

Labcorp Genetics (formerly Invitae), Labcorp
Classification: Uncertain significance. Last evaluated: 2025-12-28. Review status: criteria provided, single submitter. Criteria: Invitae Variant Classification Sherloc (09022015). Collection method: clinical testing. Allele origin: germline.
Comment: This sequence change replaces glycine, which is neutral and non-polar, with arginine, which is basic and polar, at codon 390 of the CAMK2B protein (p.Gly390Arg). This variant is present in population databases (rs763666251, gnomAD 0.003%). This variant has not been reported in the literature in individuals affected with CAMK2B-related conditions. ClinVar contains an entry for this variant (Variation ID: 2894278). An algorithm developed to predict the effect of missense changes on protein structure and function (PolyPhen-2) suggests that this variant is likely to be disruptive. In summary, the available evidence is currently insufficient to determine the role of this variant in disease. Therefore, it has been classified as a Variant of Uncertain Significance.

NM_001220.5(CAMK2B):c.1168G>A (p.Gly390Arg)

Gene: CAMK2B (calcium/calmodulin dependent protein kinase II beta; minus strand). Cytogenetic location: 7p13.
Variant type: single nucleotide variant.
Coding change: c.1168G>A on transcript NM_001220.5 (MANE Select); coding-DNA position 1168, G replaced by A.
Protein change: p.Gly390Arg; replaces glycine 390 with arginine.
Molecular consequence: missense variant. On other transcripts: intron variant (3).
Genome position (GRCh38, 1-based): chr7:44,232,830, C>T on the plus strand (G>A on the coding strand, the complement: CAMK2B is on the minus strand). VCF-style: chr7-44232830-C-T. GRCh37 (hg19) VCF-style: chr7-44272429-C-T.
Other names: c.1168G>A, p.Gly390Arg (NM_001293170.2, NM_172078.3); c.1096G>A, p.Gly366Arg (NM_172079.3, NM_172082.3); c.1093G>A, p.Gly365Arg (NM_172080.3); c.946+7877G>A (NM_172084.3); c.988-1776G>A (NM_172083.3); c.1059+1560G>A (NM_172081.3); c.1168G>A (NM_001220.4); short protein forms G366R, G390R, G365R.
Identifiers: ClinVar variation 2894278 (VCV002894278.5), dbSNP rs763666251, ClinGen allele CA4240443.